The following is an entry in ClinVar:

ClinVar aggregate classification (germline): Likely pathogenic (1 of 4 stars; one submission).

gnomAD v4.1: 1 of 1,596,666 alleles (0.000063%); highest among the groups gnomAD compares: African/African-American, 0.0013%; no homozygotes.

Submission:

Dasa
Classification: Likely pathogenic. Last evaluated: 2025-01-14. Review status: criteria provided, single submitter. Criteria: DASA Assertion Criteria. Collection method: clinical testing. Allele origin: germline.
Comment: NM_001013838.3(CARMIL2):c.3582+1G>A affects a canonical splice site and is predicted to disrupt normal RNA splicing. Loss of function is an established disease mechanism for CARMIL2-associated disorders. Also, this variant is rare in population databases. Based on the currently available evidence, this variant is classified as likely pathogenic.

NM_001013838.3(CARMIL2):c.3582+1G>A

Gene: CARMIL2 (capping protein regulator and myosin 1 linker 2; plus strand). Cytogenetic location: 16q22.1.
Variant type: single nucleotide variant.
Coding change: c.3582+1G>A on transcript NM_001013838.3 (MANE Select); the canonical splice donor site of the intron after coding-DNA position 3582, G replaced by A.
Molecular consequence: splice donor variant.
Genome position (GRCh38, 1-based): chr16:67,654,693, G>A. VCF-style: chr16-67654693-G-A. GRCh37 (hg19) VCF-style: chr16-67688596-G-A.
Other names: c.3474+1G>A (NM_001438835.1, NM_001438244.1, NM_001317026.3).
Identifiers: ClinVar variation 4883979 (VCV004883979.2).
Genomic context (GRCh38, chr16:67,654,693, plus strand): 5'-TACTCGATGATACTGCTGCCTGCCGAGGAGGAGGCAACGCTGGGTGCCAGACCCGACAAG[G>A]TGAGGCTTGCTGATGGGGGGTGGTGAAGGCGCTTCTGGGACCCAGGGCGCGGACTGTCTC-3'